The following is an entry in ClinVar:

ClinVar aggregate classification (germline): Conflicting classifications of pathogenicity. Review status: criteria provided, conflicting classifications (1 of 4 stars). 2 submissions from 2 submitters: Uncertain significance (1); Benign (1). Last evaluated 2025-07-29.

Conditions:
MYH9-related disorder. Identifiers: MedGen C1854520.

gnomAD v4.1: 13 of 1,613,300 alleles (0.00081%); highest among the groups gnomAD compares: African/African-American, 0.004%; no homozygotes.

Submissions (2):

PreventionGenetics, part of Exact Sciences
Classification: Uncertain significance for MYH9-related condition. Last evaluated: 2025-07-29. Review status: criteria provided, single submitter. Criteria: ACMG Guidelines, 2015. Collection method: clinical testing. Allele origin: germline.
Comment: The MYH9 c.2912C>T variant is predicted to result in the amino acid substitution p.Ala971Val. This variant has been reported in individuals with MYH9-related disease (Westbury et al. 2015. PubMed ID: 25949529; Table S3, Stefanucci et al. 2023. PubMed ID: 37647632). This variant is reported in 0.0062% of alleles in individuals of African descent in gnomAD. At this time, the clinical significance of this variant is uncertain due to the absence of conclusive functional and genetic evidence.

Labcorp Genetics (formerly Invitae), Labcorp
Classification: Benign. Last evaluated: 2025-03-18. Review status: criteria provided, single submitter. Criteria: Invitae Variant Classification Sherloc (09022015). Collection method: clinical testing. Allele origin: germline.

NM_002473.6(MYH9):c.2912C>T (p.Ala971Val)

Genes: MYH9 (myosin heavy chain 9; minus strand), LOC126863137 (CDK7 strongly-dependent group 2 enhancer GRCh37_chr22:36696002-36697201; plus strand). Cytogenetic location: 22q12.3.
Variant type: single nucleotide variant.
Coding change: c.2912C>T on transcript NM_002473.6 (MANE Select); coding-DNA position 2912, C replaced by T.
Protein change: p.Ala971Val; replaces alanine 971 with valine.
Molecular consequence: missense variant.
Genome position (GRCh38, 1-based): chr22:36,300,191, G>A on the plus strand (C>T on the coding strand, the complement: MYH9 is on the minus strand). VCF-style: chr22-36300191-G-A. GRCh37 (hg19) VCF-style: chr22-36696237-G-A.
Other names: short protein forms A971V.
Identifiers: ClinVar variation 4710623 (VCV004710623.2).